The following is an entry in ClinVar:

NM_001145319.2(PLS1):c.78C>T (p.Asp26=)

Gene: PLS1 (plastin 1; plus strand). Cytogenetic location: 3q23.
Variant type: single nucleotide variant.
Coding change: c.78C>T on transcript NM_001145319.2 (MANE Select); coding-DNA position 78, C replaced by T.
Protein change: p.Asp26=; no amino-acid change (aspartic acid 26 retained).
Molecular consequence: synonymous variant.
Genome position (GRCh38, 1-based): chr3:142,669,397, C>T. VCF-style: chr3-142669397-C-T. GRCh37 (hg19) VCF-style: chr3-142388239-C-T.
Other names: c.78C>T, p.Asp26= (NM_001172312.2, NM_002670.3).
Identifiers: ClinVar variation 4979233 (VCV004979233.1).

ClinVar aggregate classification (germline): Likely benign (1 of 4 stars; one submission).

Conditions:
PLS1-related disorder. Also called: PLS1-related condition.

gnomAD v4.1: 465 of 1,538,270 alleles (0.03%); highest among the groups gnomAD compares: Middle Eastern, 0.15%; 3 homozygotes.

Submission:

PreventionGenetics, part of Exact Sciences
Classification: Likely benign for PLS1-related condition. Last evaluated: 2026-09-08. Review status: criteria provided, single submitter. Criteria: ACMG Guidelines, 2015. Collection method: clinical testing. Allele origin: germline.
Comment: This variant is classified as likely benign based on ACMG/AMP sequence variant interpretation guidelines (Richards et al. 2015 PMID: 25741868, with internal and published modifications).